The following is an entry in ClinVar:

NM_000535.7(PMS2):c.756T>G (p.Cys252Trp)

Gene: PMS2 (PMS1 homolog 2, mismatch repair system component; minus strand). Cytogenetic location: 7p22.1.
Variant type: single nucleotide variant.
Coding change: c.756T>G on transcript NM_000535.7 (MANE Select); coding-DNA position 756, T replaced by G.
Protein change: p.Cys252Trp; replaces cysteine 252 with tryptophan.
Molecular consequence: missense variant. On other transcripts: 5 prime UTR variant (2), non-coding transcript variant (1), intron variant (3).
Genome position (GRCh38, 1-based): chr7:5,997,373, A>C on the plus strand (T>G on the coding strand, the complement: PMS2 is on the minus strand). VCF-style: chr7-5997373-A-C. GRCh37 (hg19) VCF-style: chr7-6037004-A-C.
Other names: c.351T>G, p.Cys117Trp (NM_001406892.1, NM_001406893.1, NM_001406894.1 and 19 more transcripts); c.447T>G, p.Cys149Trp (NM_001406900.1, NM_001322015.2, NM_001406875.1 and 6 more transcripts); c.438T>G, p.Cys146Trp (NM_001406901.1, NM_001322007.2, NM_001322008.2 and 4 more transcripts); c.756T>G, p.Cys252Trp (NM_001322006.2, NM_001322014.2, NM_001406870.1 and 3 more transcripts); c.-178T>G (NM_001322011.2, NM_001322012.2); c.183T>G, p.Cys61Trp (NM_001322013.2, NM_001406909.1); c.942T>G, p.Cys314Trp (NM_001406866.1); c.780T>G, p.Cys260Trp (NM_001406868.1); and 7 more; short protein forms C146W, C149W, C81W, C216W, C260W, C314W, C196W, C61W.
Identifiers: ClinVar variation 5026886 (VCV005026886.1).

ClinVar aggregate classification (germline): Uncertain significance (1 of 4 stars; one submission).

Conditions:
Hereditary cancer-predisposing syndrome. Also called: Neoplastic Syndromes, Hereditary; Tumor predisposition; Hereditary neoplastic syndrome; Hereditary Cancer Syndrome. Identifiers: Orphanet 140162, MedGen C0027672, MeSH D009386, MONDO:0015356.

gnomAD v4.1: 1 of 1,607,882 alleles (0.000062%); highest among the groups gnomAD compares: East Asian, 0.0022%; no homozygotes.

Submission:

Ambry Genetics
Classification: Uncertain significance for Hereditary cancer-predisposing syndrome. Last evaluated: 2026-07-06. Review status: criteria provided, single submitter. Criteria: Ambry Variant Classification Scheme 2023. Collection method: clinical testing. Allele origin: germline.
Comment: The p.C252W variant (also known as c.756T>G), located in coding exon 7 of the PMS2 gene, results from a T to G substitution at nucleotide position 756. The cysteine at codon 252 is replaced by tryptophan, an amino acid with highly dissimilar properties. This amino acid position is conserved. In addition, the in silico prediction for this alteration is inconclusive. Based on the available evidence, the clinical significance of this variant remains unclear.